The following is an entry in ClinVar:

ClinVar aggregate classification (germline): Uncertain significance. Review status: criteria provided, multiple submitters, no conflicts (2 of 4 stars). 2 submissions from 2 submitters: Uncertain significance (2). Last evaluated 2025-03-25.

Conditions:
Autosomal recessive polycystic kidney disease (ARPKD). Also called: AR polycystic kidney disease. Identifiers: Orphanet 731, Orphanet 8378, MedGen C0085548, MeSH D017044, MONDO:0009889.

Allele frequency attached by ClinVar (database versions not stated): TOPMed below 0.00001; gnomAD 0.00001; gnomAD exomes 0.00003 and 0.00005; ExAC 0.00007.
gnomAD v4.1: 40 of 1,613,574 alleles (0.0025%); highest among the groups gnomAD compares: East Asian, 0.085%; no homozygotes.

Submissions (2):

Labcorp Genetics (formerly Invitae), Labcorp
Classification: Uncertain significance for Autosomal recessive polycystic kidney disease. Last evaluated: 2025-03-25. Review status: criteria provided, single submitter. Criteria: Invitae Variant Classification Sherloc (09022015). Collection method: clinical testing. Allele origin: germline.
Comment: This sequence change falls in intron 27 of the PKHD1 gene. It does not directly change the encoded amino acid sequence of the PKHD1 protein. It affects a nucleotide within the consensus splice site. This variant is present in population databases (rs368231573, gnomAD 0.06%). This variant has not been reported in the literature in individuals affected with PKHD1-related conditions. ClinVar contains an entry for this variant (Variation ID: 500332). Variants that disrupt the consensus splice site are a relatively common cause of aberrant splicing (PMID: 17576681, 9536098). Algorithms developed to predict the effect of sequence changes on RNA splicing suggest that this variant is not likely to affect RNA splicing. In summary, the available evidence is currently insufficient to determine the role of this variant in disease. Therefore, it has been classified as a Variant of Uncertain Significance.

Eurofins Ntd Llc (ga)
Classification: Uncertain significance. Last evaluated: 2017-02-02. Review status: criteria provided, single submitter. Criteria: EGL Classification Definitions 2015. Collection method: clinical testing. Allele origin: germline. Observed: 1 variant allele, 1 heterozygote.

Literature cited by the submitters: PubMed 17576681 (cited by Labcorp Genetics (formerly Invitae), Labcorp); PubMed 9536098 (cited by Labcorp Genetics (formerly Invitae), Labcorp).

NM_138694.4(PKHD1):c.3098-3C>T

Gene: PKHD1 (PKHD1 ciliary IPT domain containing fibrocystin/polyductin; minus strand). Cytogenetic location: 6p12.2.
Variant type: single nucleotide variant.
Coding change: c.3098-3C>T on transcript NM_138694.4 (MANE Select); 3 bases into the intron before coding-DNA position 3098, C replaced by T.
Molecular consequence: intron variant.
Genome position (GRCh38, 1-based): chr6:52,035,724, G>A on the plus strand (C>T on the coding strand, the complement: PKHD1 is on the minus strand). VCF-style: chr6-52035724-G-A. GRCh37 (hg19) VCF-style: chr6-51900522-G-A.
Other names: c.3098-3C>T (NM_170724.3).
Identifiers: ClinVar variation 500332 (VCV000500332.6), dbSNP rs368231573, ClinGen allele CA3853034.
Genomic context (GRCh38, chr6:52,035,724, plus strand): 5'-AATAATATCAGGCTAACACCTTCCAAACTAGAGCCTCGGATGGTGGCCCAGAGCCCTCCT[G>A]TAACAAAAACAGCATATTCAAATGGGATCACCAACCATACAGGCAGACAAAAATTAATTA-3'